The following is an entry in ClinVar:

ClinVar aggregate classification (germline): Uncertain significance (1 of 4 stars; one submission).

Conditions:
Familial thoracic aortic aneurysm and aortic dissection (TAAD). Also called: Thoracic aortic aneurysms and dissections. Identifiers: Orphanet 91387, MedGen C4707243, MONDO:0019625.

Submission:

Color Diagnostics, LLC DBA Color Health
Classification: Uncertain significance for Familial thoracic aortic aneurysm and aortic dissection. Last evaluated: 2025-08-07. Review status: criteria provided, single submitter. Criteria: ACMG Guidelines, 2015. Collection method: clinical testing. Allele origin: germline.
Comment: This missense variant replaces methionine with lysine at codon 36 of the TGFBR2 protein. Computational prediction is inconclusive regarding the impact of this variant on protein structure and function. To our knowledge, functional studies have not been reported for this variant. This variant has not been reported in individuals affected with TGFBR2-related disorders in the literature. This variant has not been identified in the general population by the Genome Aggregation Database (gnomAD). The available evidence is insufficient to determine the role of this variant in disease conclusively. Therefore, this variant is classified as a Variant of Uncertain Significance.

NM_003242.6(TGFBR2):c.107T>A (p.Met36Lys)

Gene: TGFBR2 (transforming growth factor beta receptor 2; plus strand). Cytogenetic location: 3p24.1.
Variant type: single nucleotide variant.
Coding change: c.107T>A on transcript NM_003242.6 (MANE Select); coding-DNA position 107, T replaced by A.
Protein change: p.Met36Lys; replaces methionine 36 with lysine.
Molecular consequence: missense variant. On other transcripts: initiator codon variant (6), intron variant (2).
Genome position (GRCh38, 1-based): chr3:30,644,759, T>A. VCF-style: chr3-30644759-T-A. GRCh37 (hg19) VCF-style: chr3-30686251-T-A.
Other names: c.182T>A, p.Met61Lys (NM_001024847.3, NM_001407126.1, NM_001407139.1); c.107T>A, p.Met36Lys (NM_001407127.1, NM_001407130.1); c.134T>A, p.Met45Lys (NM_001407128.1); c.2T>A, p.Met1Lys (NM_001407129.1, NM_001407132.1, NM_001407133.1 and 3 more transcripts); c.169+21486T>A (NM_001407137.1); c.95-26879T>A (NM_001407138.1); short protein forms M1K, M36K, M45K, M61K.
Identifiers: ClinVar variation 4757704 (VCV004757704.1).